The following is an entry in ClinVar:

NM_001002295.2(GATA3):c.*491A>G

Gene: GATA3 (GATA binding protein 3; plus strand). Cytogenetic location: 10p14.
Variant type: single nucleotide variant.
Coding change: c.*491A>G on transcript NM_001002295.2 (MANE Select); 491 bases downstream of the stop codon, A replaced by G.
Molecular consequence: 3 prime UTR variant.
Genome position (GRCh38, 1-based): chr10:8,074,514, A>G. VCF-style: chr10-8074514-A-G. GRCh37 (hg19) VCF-style: chr10-8116477-A-G.
Other names: c.*491A>G (NM_002051.3).
Identifiers: ClinVar variation 301137 (VCV000301137.5), dbSNP rs138815232, ClinGen allele CA10629243.

ClinVar aggregate classification (germline): Benign (1 of 4 stars; one submission).

Conditions:
Hypoparathyroidism, deafness, renal disease syndrome (HDRS). Also called: HYPOPARATHYROIDISM, SENSORINEURAL DEAFNESS, AND RENAL DYSPLASIA SYNDROME. Identifiers: Orphanet 2237, MedGen C1840333, MONDO:0007797, OMIM 146255.

Allele frequency attached by ClinVar (database versions not stated): gnomAD exomes 0.00051; gnomAD 0.00269 and 0.00283; 1000 Genomes Project 0.00280; 1000 Genomes Project 30x 0.00281; TOPMed 0.00295.

Submission:

Illumina Laboratory Services, Illumina
Classification: Benign for Hypoparathyroidism, deafness, renal disease syndrome. Last evaluated: 2018-01-12. Review status: criteria provided, single submitter. Criteria: ICSL Variant Classification Criteria 13 December 2019. Collection method: clinical testing. Allele origin: germline.
Comment: This variant was observed in the ICSL laboratory as part of a predisposition screen in an ostensibly healthy population. It had not been previously curated by ICSL or reported in the Human Gene Mutation Database (HGMD: prior to June 1st, 2018), and was therefore a candidate for classification through an automated scoring system. Utilizing variant allele frequency, disease prevalence and penetrance estimates, and inheritance mode, an automated score was calculated to assess if this variant is too frequent to cause the disease. Based on the score and internal cut-off values, a variant classified as benign is not then subjected to further curation. The score for this variant resulted in a classification of benign for this disease.